The following is an entry in ClinVar:

NM_030957.4(ADAMTS10):c.2016C>T (p.Cys672=)

Gene: ADAMTS10 (ADAM metallopeptidase with thrombospondin type 1 motif 10; minus strand). Cytogenetic location: 19p13.2.
Variant type: single nucleotide variant.
Coding change: c.2016C>T on transcript NM_030957.4 (MANE Select); coding-DNA position 2016, C replaced by T.
Protein change: p.Cys672=; no amino-acid change (cysteine 672 retained).
Molecular consequence: synonymous variant.
Genome position (GRCh38, 1-based): chr19:8,589,470, G>A on the plus strand (C>T on the coding strand, the complement: ADAMTS10 is on the minus strand). VCF-style: chr19-8589470-G-A. GRCh37 (hg19) VCF-style: chr19-8654354-G-A.
Other names: p.Cys672=; c.477C>T, p.Cys159= (NM_001282352.2).
Identifiers: ClinVar variation 715179 (VCV000715179.18), dbSNP rs10414102, ClinGen allele CA9160278.
Genomic context (GRCh38, chr19:8,589,470, plus strand): 5'-CGCTCCCCATCCCCTCTCCACCTCCCTGGGAGTCCCCTCCACCTTGCATTCGCCACTGAC[G>A]CAAATGTCCACCGTGTCTGGACGGCAGGGTGTCCCGTCCACCACGGCTGCCGCCCTCTCC-3'
Protein context (NP_112219.3, residues 662-682): TPCRPDTVDI[Cys672=]VSGECKHVGC

ClinVar aggregate classification (germline): Benign/Likely benign. Review status: criteria provided, multiple submitters, no conflicts (2 of 4 stars). 6 submissions from 6 submitters: Benign (1); Likely benign (5). Last evaluated 2026-09-01.

Conditions:
Weill-Marchesani syndrome. Also called: WM Syndrome; Mesodermal dysmorphodystrophy congenital. Identifiers: Orphanet 3449, MedGen C0265313, MONDO:0018096.

Allele frequency attached by ClinVar (database versions not stated): gnomAD exomes 0.00043 and 0.00104; ExAC 0.00127; gnomAD 0.00400 and 0.00419; ESP Exome Variant Server 0.00423; TOPMed 0.00449; 1000 Genomes Project 0.00479; 1000 Genomes Project 30x 0.00531.
gnomAD v4.1: 1,243 of 1,601,366 alleles (0.078%); highest among the groups gnomAD compares: African/African-American, 1.5%; 5 homozygotes.

Submissions (6):

CeGaT Center for Human Genetics Tuebingen
Classification: Likely benign. Last evaluated: 2026-09-01. Review status: criteria provided, single submitter. Criteria: CeGaT Center For Human Genetics Tuebingen Variant Classification Criteria Version 2. Collection method: clinical testing. Allele origin: germline. Affected: yes. Observed: 1 variant allele.
Comment: ADAMTS10: BS1

Labcorp Genetics (formerly Invitae), Labcorp
Classification: Benign. Last evaluated: 2026-02-02. Review status: criteria provided, single submitter. Criteria: Invitae Variant Classification Sherloc (09022015). Collection method: clinical testing. Allele origin: germline.

Mayo Clinic Laboratories, Mayo Clinic
Classification: Likely benign. Last evaluated: 2025-12-04. Review status: criteria provided, single submitter. Criteria: ACMG Guidelines, 2015. Collection method: clinical testing. Allele origin: germline. Observed: 2 variant alleles.
Comment: BS1, BS2_supporting

Blueprint Genetics
Classification: Likely benign. Last evaluated: 2024-09-16. Review status: criteria provided, single submitter. Criteria: ACMG Guidelines, 2015. Collection method: clinical testing. Allele origin: germline.

Illumina Laboratory Services, Illumina
Classification: Likely benign for Weill-Marchesani syndrome. Last evaluated: 2018-01-13. Review status: criteria provided, single submitter. Criteria: ICSL Variant Classification Criteria 13 December 2019. Collection method: clinical testing. Allele origin: germline.
Comment: This variant was observed in the ICSL laboratory as part of a predisposition screen in an ostensibly healthy population. It had not been previously curated by ICSL or reported in the Human Gene Mutation Database (HGMD: prior to June 1st, 2018), and was therefore a candidate for classification through an automated scoring system. Utilizing variant allele frequency, disease prevalence and penetrance estimates, and inheritance mode, an automated score was calculated to assess if this variant is too frequent to cause the disease. Based on the score and internal cut-off values, a variant classified as likely benign is not then subjected to further curation. The score for this variant resulted in a classification of likely benign for this disease.

Breakthrough Genomics
Classification: Likely benign. Review status: criteria provided, single submitter. Criteria: ACMG Guidelines, 2015. Collection method: not provided. Allele origin: germline. Inheritance: Autosomal recessive inheritance. Affected: yes.